The following is an entry in ClinVar:

NM_001165963.4(SCN1A):c.3109_3119del (p.Ser1037fs)

Genes: SCN1A (sodium voltage-gated channel alpha subunit 1; minus strand), LOC102724058 (uncharacterized LOC102724058; plus strand). Cytogenetic location: 2q24.3.
Variant type: Deletion.
Coding change: c.3109_3119del on transcript NM_001165963.4 (MANE Select); coding-DNA positions 3109 to 3119, 11 bases deleted (TCCTTCATTAG).
Protein change: p.Ser1037fs; shifts the reading frame from serine 1037.
Molecular consequence: frameshift variant. On other transcripts: non-coding transcript variant (2).
Genome position (GRCh38, 1-based): chr2:166,036,358-166,036,368, CTAATGAAGGA deleted on the plus strand (TCCTTCATTAG on the coding strand, the reverse complement: SCN1A is on the minus strand); deleting any 11 consecutive bases within chr2:166,036,358-166,036,370 gives the same sequence; the c. name uses the placement nearest the transcript's 3' end. VCF-style (leftmost placement, unchanged base first): chr2-166036357-CCTAATGAAGGA-C. GRCh37 (hg19) VCF-style: chr2-166892867-CCTAATGAAGGA-C.
Other names: c.3025_3035del, p.Ser1009fs (NM_001165964.3, NM_001353957.2, NM_001353958.2); c.3109_3119del, p.Ser1037fs (NM_001202435.3, NM_001353948.2); c.3076_3086del, p.Ser1026fs (NM_001353949.2, NM_001353950.2, NM_001353951.2 and 2 more transcripts); c.3073_3083del, p.Ser1025fs (NM_001353954.2, NM_001353955.2); c.3022_3032del, p.Ser1008fs (NM_001353960.2); c.667_677del, p.Ser223fs (NM_001353961.2); short protein forms S1008fs, S1009fs, S1025fs, S1026fs, S1037fs, S223fs.
Identifiers: ClinVar variation 1076547 (VCV001076547.8), dbSNP rs2105795955, ClinGen allele CA2499215181.

ClinVar aggregate classification (germline): Pathogenic (1 of 4 stars; one submission).

Conditions:
Early-infantile DEE. Also called: Ohtahara syndrome; Early infantile epileptic encephalopathy with suppression bursts; Early infantile epileptic encephalopathy. Identifiers: Orphanet 1934, MedGen C0393706, MONDO:0800491.

Submission:

Labcorp Genetics (formerly Invitae), Labcorp
Classification: Pathogenic for Early-infantile DEE. Last evaluated: 2022-03-19. Review status: criteria provided, single submitter. Criteria: Invitae Variant Classification Sherloc (09022015). Collection method: clinical testing. Allele origin: germline.
Comment: Algorithms developed to predict the effect of sequence changes on RNA splicing suggest that this variant may create or strengthen a splice site. This sequence change creates a premature translational stop signal (p.Ser1037Glufs*7) in the SCN1A gene. It is expected to result in an absent or disrupted protein product. Loss-of-function variants in SCN1A are known to be pathogenic (PMID: 17347258, 18930999). This variant is not present in population databases (gnomAD no frequency). This variant has not been reported in the literature in individuals affected with SCN1A-related conditions. ClinVar contains an entry for this variant (Variation ID: 1076547). For these reasons, this variant has been classified as Pathogenic.

Literature cited by the submitters: PubMed 17347258; PubMed 18930999.